The following is an entry in ClinVar:

ClinVar aggregate classification (germline): Conflicting classifications of pathogenicity. Review status: criteria provided, conflicting classifications (1 of 4 stars). 3 submissions from 3 submitters: Uncertain significance (2); Likely benign (1). Last evaluated 2026-06-12.

Conditions:
Renal cell carcinoma. Identifiers: Orphanet 217071, MedGen C0007134, MeSH D002292, MONDO:0005086, HP:0005584.
Hereditary cancer-predisposing syndrome. Also called: Tumor predisposition; Hereditary Cancer Syndrome; Neoplastic Syndromes, Hereditary; Hereditary neoplastic syndrome. Identifiers: Orphanet 140162, MedGen C0027672, MeSH D009386, MONDO:0015356.
Papillary renal cell carcinoma type 1 (RCCP1). Also called: RENAL CELL CARCINOMA, PAPILLARY, 1, SOMATIC; Renal adenocarcinoma; Renal cell carcinoma 1; Renal cell carcinoma, somatic. Identifiers: Orphanet 47044, MedGen C1336839, OMIM 605074, HP:0011797.

Submissions (3):

Ambry Genetics
Classification: Likely benign for Hereditary cancer-predisposing syndrome. Last evaluated: 2026-06-12. Review status: criteria provided, single submitter. Criteria: Ambry Variant Classification Scheme 2023. Collection method: clinical testing. Allele origin: germline.

Labcorp Genetics (formerly Invitae), Labcorp
Classification: Uncertain significance for Renal cell carcinoma. Last evaluated: 2022-07-23. Review status: criteria provided, single submitter. Criteria: Invitae Variant Classification Sherloc (09022015). Collection method: clinical testing. Allele origin: germline.
Comment: In summary, the available evidence is currently insufficient to determine the role of this variant in disease. Therefore, it has been classified as a Variant of Uncertain Significance. This sequence change replaces aspartic acid, which is acidic and polar, with glycine, which is neutral and non-polar, at codon 243 of the MET protein (p.Asp243Gly). This variant is not present in population databases (gnomAD no frequency). This variant has not been reported in the literature in individuals affected with MET-related conditions. ClinVar contains an entry for this variant (Variation ID: 584709). Algorithms developed to predict the effect of missense changes on protein structure and function (SIFT, PolyPhen-2, Align-GVGD) all suggest that this variant is likely to be tolerated. Algorithms developed to predict the effect of sequence changes on RNA splicing suggest that this variant may create or strengthen a splice site.

Mendelics
Classification: Uncertain significance for Renal cell carcinoma, papillary, 1. Last evaluated: 2018-07-02. Review status: criteria provided, single submitter. Criteria: Mendelics Assertion Criteria 2017. Collection method: clinical testing. Allele origin: unknown.

NM_000245.4(MET):c.728A>G (p.Asp243Gly)

Gene: MET (MET proto-oncogene, receptor tyrosine kinase; plus strand). Cytogenetic location: 7q31.2.
Variant type: single nucleotide variant.
Coding change: c.728A>G on transcript NM_000245.4 (MANE Select); coding-DNA position 728, A replaced by G.
Protein change: p.Asp243Gly; replaces aspartic acid 243 with glycine.
Molecular consequence: missense variant. On other transcripts: intron variant (1).
Genome position (GRCh38, 1-based): chr7:116,699,812, A>G. VCF-style: chr7-116699812-A-G. GRCh37 (hg19) VCF-style: chr7-116339866-A-G.
Other names: c.728A>G, p.Asp243Gly (NM_001127500.3, NM_001324401.3); c.-91+27235A>G (NM_001324402.2); short protein forms D243G.
Identifiers: ClinVar variation 584709 (VCV000584709.13), dbSNP rs1562883992, ClinGen allele CA368969717.
Genomic context (GRCh38, chr7:116,699,812, plus strand): 5'-AAGATGGTTTTATGTTTTTGACGGACCAGTCCTACATTGATGTTTTACCTGAGTTCAGAG[A>G]TTCTTACCCCATTAAGTATGTCCATGCCTTTGAAAGCAACAATTTTATTTACTTCTTGAC-3'
Protein context (NP_000236.2, residues 233-253): SYIDVLPEFR[Asp243Gly]SYPIKYVHAF